The following is an entry in ClinVar:

NM_003740.4(KCNK5):c.1094A>T (p.Lys365Ile)

Gene: KCNK5 (potassium two pore domain channel subfamily K member 5; minus strand). Cytogenetic location: 6p21.2.
Variant type: single nucleotide variant.
Coding change: c.1094A>T on transcript NM_003740.4 (MANE Select); coding-DNA position 1094, A replaced by T.
Protein change: p.Lys365Ile; replaces lysine 365 with isoleucine.
Molecular consequence: missense variant.
Genome position (GRCh38, 1-based): chr6:39,191,296, T>A on the plus strand (A>T on the coding strand, the complement: KCNK5 is on the minus strand). VCF-style: chr6-39191296-T-A. GRCh37 (hg19) VCF-style: chr6-39159072-T-A.
Other names: short protein forms K365I.
Identifiers: ClinVar variation 3043088 (VCV003043088.2), dbSNP rs41273124, ClinGen allele CA3792712.

ClinVar aggregate classification (germline): Likely benign (0 of 4 stars; one submission).

Conditions:
KCNK5-related disorder. Also called: KCNK5-related condition.

Allele frequency attached by ClinVar (database versions not stated): ExAC 0.00163; gnomAD 0.00178; TOPMed 0.00197; ESP Exome Variant Server 0.00223; gnomAD exomes 0.00273; 1000 Genomes Project 0.00280; 1000 Genomes Project 30x 0.00281.
gnomAD v4.1: 4,219 of 1,614,036 alleles (0.26%); highest among the groups gnomAD compares: Non-Finnish European, 0.33%; 7 homozygotes.

Submission:

PreventionGenetics, part of Exact Sciences
Classification: Likely benign for KCNK5-related condition. Last evaluated: 2022-03-18. Review status: no assertion criteria provided. Collection method: clinical testing. Allele origin: germline.
Comment: This variant is classified as likely benign based on ACMG/AMP sequence variant interpretation guidelines (Richards et al. 2015 PMID: 25741868, with internal and published modifications).